The following is an entry in ClinVar:

ClinVar aggregate classification (germline): Uncertain significance. Review status: criteria provided, multiple submitters, no conflicts (2 of 4 stars). 2 submissions from 2 submitters: Uncertain significance (2). Last evaluated 2025-12-16.

Conditions:
Left ventricular noncompaction 1 (LVNC1). Also called: LEFT VENTRICULAR NONCOMPACTION 1 WITH OR WITHOUT CONGENITAL HEART DEFECTS. Identifiers: Orphanet 54260, MedGen C1858725, MONDO:0011403, OMIM 604169.

Allele frequency attached by ClinVar (database versions not stated): TOPMed 0.00001; gnomAD 0.00001.
gnomAD v4.1: 6 of 1,613,960 alleles (0.00037%); highest among the groups gnomAD compares: Non-Finnish European, 0.00034%; no homozygotes.

Submissions (2):

Labcorp Genetics (formerly Invitae), Labcorp
Classification: Uncertain significance for Left ventricular noncompaction 1. Last evaluated: 2025-12-16. Review status: criteria provided, single submitter. Criteria: Invitae Variant Classification Sherloc (09022015). Collection method: clinical testing. Allele origin: germline.
Comment: This sequence change replaces isoleucine, which is neutral and non-polar, with valine, which is neutral and non-polar, at codon 88 of the DTNA protein (p.Ile88Val). This variant is present in population databases (no rsID available, gnomAD 0.0009%). This variant has not been reported in the literature in individuals affected with DTNA-related conditions. ClinVar contains an entry for this variant (Variation ID: 2730431). Invitae Evidence Modeling of protein sequence and biophysical properties (such as structural, functional, and spatial information, amino acid conservation, physicochemical variation, residue mobility, and thermodynamic stability) indicates that this missense variant is not expected to disrupt DTNA protein function with a negative predictive value of 80%. In summary, the available evidence is currently insufficient to determine the role of this variant in disease. Therefore, it has been classified as a Variant of Uncertain Significance.

Ambry Genetics
Classification: Uncertain significance. Last evaluated: 2025-11-06. Review status: criteria provided, single submitter. Criteria: Ambry Variant Classification Scheme 2023. Collection method: clinical testing. Allele origin: germline.

NM_001386795.1(DTNA):c.262A>G (p.Ile88Val)

Gene: DTNA (dystrobrevin alpha; plus strand). Cytogenetic location: 18q12.1.
Variant type: single nucleotide variant.
Coding change: c.262A>G on transcript NM_001386795.1 (MANE Select); coding-DNA position 262, A replaced by G.
Protein change: p.Ile88Val; replaces isoleucine 88 with valine.
Molecular consequence: missense variant.
Genome position (GRCh38, 1-based): chr18:34,794,150, A>G. VCF-style: chr18-34794150-A-G. GRCh37 (hg19) VCF-style: chr18-32374114-A-G.
Other names: c.262A>G, p.Ile88Val (NM_001391.5, NM_001392.5, NM_032975.4 and 35 more transcripts); c.262A>G (NM_032978.6); short protein forms I88V.
Identifiers: ClinVar variation 2730431 (VCV002730431.4), dbSNP rs1242383709, ClinGen allele CA402274987.